The following is an entry in ClinVar:

ClinVar aggregate classification (germline): Uncertain significance (1 of 4 stars; one submission).

Submission:

CeGaT Center for Human Genetics Tuebingen
Classification: Uncertain significance. Last evaluated: 2025-03-01. Review status: criteria provided, single submitter. Criteria: CeGaT Center For Human Genetics Tuebingen Variant Classification Criteria Version 2. Collection method: clinical testing. Allele origin: germline. Affected: yes. Observed: 1 variant allele.
Comment: TTI1: PM2, BP4

NM_001303457.2(TTI1):c.2431C>A (p.Gln811Lys)

Gene: TTI1 (TELO2 interacting protein 1; minus strand). Cytogenetic location: 20q11.23.
Variant type: single nucleotide variant.
Coding change: c.2431C>A on transcript NM_001303457.2 (MANE Select); coding-DNA position 2431, C replaced by A.
Protein change: p.Gln811Lys; replaces glutamine 811 with lysine.
Molecular consequence: missense variant.
Genome position (GRCh38, 1-based): chr20:38,006,269, G>T on the plus strand (C>A on the coding strand, the complement: TTI1 is on the minus strand). VCF-style: chr20-38006269-G-T. GRCh37 (hg19) VCF-style: chr20-36634671-G-T.
Other names: c.2431C>A, p.Gln811Lys (NM_014657.3); short protein forms Q811K.
Identifiers: ClinVar variation 3778484 (VCV003778484.7).
Genomic context (GRCh38, chr20:38,006,269, plus strand): 5'-CAAAATCCGAGACATTTCCATCTGCCACATCCTTCTCTTTGAGGTAGTTCAGCAAAAACT[G>T]TTCGATGTCTTCAGCTGTGGTGGTGCTCTTCTCAAGAGCTGCTGGTCTTTGGTTCAAATG-3'
Protein context (NP_001290386.1, residues 801-821): KSTTTAEDIE[Gln811Lys]FLLNYLKEKD